The following is an entry in ClinVar:

NM_001365951.3(KIF1B):c.2318T>C (p.Leu773Pro)

Gene: KIF1B (kinesin family member 1B; plus strand). Cytogenetic location: 1p36.22.
Variant type: single nucleotide variant.
Coding change: c.2318T>C on transcript NM_001365951.3 (MANE Select); coding-DNA position 2318, T replaced by C.
Protein change: p.Leu773Pro; replaces leucine 773 with proline.
Molecular consequence: missense variant.
Genome position (GRCh38, 1-based): chr1:10,321,817, T>C. VCF-style: chr1-10321817-T-C. GRCh37 (hg19) VCF-style: chr1-10381875-T-C.
Other names: c.2318T>C, p.Leu773Pro (NM_001365952.1); c.2180T>C, p.Leu727Pro (NM_015074.3); short protein forms L727P, L773P.
Identifiers: ClinVar variation 2448714 (VCV002448714.2), dbSNP rs2521607540, ClinGen allele CA338333112.

ClinVar aggregate classification (germline): Uncertain significance (1 of 4 stars; one submission).

Submission:

Ambry Genetics
Classification: Uncertain significance. Last evaluated: 2022-11-30. Review status: criteria provided, single submitter. Criteria: Ambry Variant Classification Scheme 2023. Collection method: clinical testing. Allele origin: germline.
Comment: The p.L727P variant (also known as c.2180T>C), located in coding exon 21 of the KIF1B gene, results from a T to C substitution at nucleotide position 2180. The leucine at codon 727 is replaced by proline, an amino acid with similar properties. This amino acid position is conserved. In addition, this alteration is predicted to be deleterious by in silico analysis. Since supporting evidence is limited at this time, the clinical significance of this alteration remains unclear.